The following is an entry in ClinVar:

ClinVar aggregate classification (germline): Pathogenic (1 of 4 stars; one submission).

Conditions:
Gorlin syndrome. Also called: Basal cell nevus syndrome; Nevoid Basal Cell Carcinoma Syndrome. Identifiers: Orphanet 377, MedGen C0004779, MONDO:0007187.
Medulloblastoma (MDB). Also called: MEDULLOBLASTOMA PREDISPOSITION SYNDROME; Medulloblastoma, somatic. Identifiers: Orphanet 616, MedGen C0025149, MeSH D008527, MONDO:0007959, OMIM 155255, HP:0002885.

Submission:

Labcorp Genetics (formerly Invitae), Labcorp
Classification: Pathogenic for Gorlin syndrome; Medulloblastoma. Last evaluated: 2022-04-09. Review status: criteria provided, single submitter. Criteria: Invitae Variant Classification Sherloc (09022015). Collection method: clinical testing. Allele origin: germline.
Comment: This sequence change creates a premature translational stop signal (p.Pro18Leufs*78) in the SUFU gene. It is expected to result in an absent or disrupted protein product. Loss-of-function variants in SUFU are known to be pathogenic (PMID: 22508808, 25403219). This variant is not present in population databases (gnomAD no frequency). This variant has not been reported in the literature in individuals affected with SUFU-related conditions. For these reasons, this variant has been classified as Pathogenic.

Literature cited by the submitters: PubMed 22508808; PubMed 25403219.

NM_016169.4(SUFU):c.53del (p.Pro18fs)

Genes: SUFU (SUFU negative regulator of hedgehog signaling; plus strand), LOC130004614 (ATAC-STARR-seq lymphoblastoid silent region 2764; plus strand). Cytogenetic location: 10q24.32.
Variant type: Deletion.
Coding change: c.53del on transcript NM_016169.4 (MANE Select); coding-DNA position 53, one base deleted (C; older notation c.53delC).
Protein change: p.Pro18fs; shifts the reading frame from proline 18.
Molecular consequence: frameshift variant.
Genome position (GRCh38, 1-based): chr10:102,504,205, C deleted; the last of 4 consecutive C bases (chr10:102,504,202-102,504,205); deleting any one gives the same sequence. VCF-style (leftmost placement, unchanged base first): chr10-102504201-GC-G. GRCh37 (hg19) VCF-style: chr10-104263958-GC-G.
Other names: c.53del, p.Pro18fs (NM_001178133.2); short protein forms P18fs.
Identifiers: ClinVar variation 1431589 (VCV001431589.6), dbSNP rs2135597588, ClinGen allele CA2573145477.